The following is an entry in ClinVar:

ClinVar aggregate classification (germline): Uncertain significance (1 of 4 stars; one submission).

Conditions:
Muscular dystrophy-dystroglycanopathy (congenital with brain and eye anomalies), type A13. Also called: WALKER-WARBURG SYNDROME OR MUSCLE-EYE-BRAIN DISEASE, B3GNT1-RELATED; Muscular dystrophy-dystroglycanopathy (congenital with brain and eye anomalies), type a, 13. Identifiers: Orphanet 899, MedGen C3809042, MONDO:0014120, OMIM 615287.

Submission:

Labcorp Genetics (formerly Invitae), Labcorp
Classification: Uncertain significance for Muscular dystrophy-dystroglycanopathy (congenital with brain and eye anomalies), type A13. Last evaluated: 2022-01-26. Review status: criteria provided, single submitter. Criteria: Invitae Variant Classification Sherloc (09022015). Collection method: clinical testing. Allele origin: germline.
Comment: In summary, the available evidence is currently insufficient to determine the role of this variant in disease. Therefore, it has been classified as a Variant of Uncertain Significance. Algorithms developed to predict the effect of missense changes on protein structure and function are either unavailable or do not agree on the potential impact of this missense change (SIFT: "Deleterious"; PolyPhen-2: "Possibly Damaging"; Align-GVGD: "Class C0"). This variant has not been reported in the literature in individuals affected with B4GAT1-related conditions. This variant is not present in population databases (gnomAD no frequency). This sequence change replaces leucine, which is neutral and non-polar, with proline, which is neutral and non-polar, at codon 30 of the B4GAT1 protein (p.Leu30Pro).

NM_006876.3(B4GAT1):c.89T>C (p.Leu30Pro)

Gene: B4GAT1 (beta-1,4-glucuronyltransferase 1; minus strand). Cytogenetic location: 11q13.2.
Variant type: single nucleotide variant.
Coding change: c.89T>C on transcript NM_006876.3 (MANE Select); coding-DNA position 89, T replaced by C.
Protein change: p.Leu30Pro; replaces leucine 30 with proline.
Molecular consequence: missense variant.
Genome position (GRCh38, 1-based): chr11:66,347,457, A>G on the plus strand (T>C on the coding strand, the complement: B4GAT1 is on the minus strand). VCF-style: chr11-66347457-A-G. GRCh37 (hg19) VCF-style: chr11-66114928-A-G.
Other names: short protein forms L30P.
Identifiers: ClinVar variation 2089703 (VCV002089703.4), dbSNP rs2495387981, ClinGen allele CA381419119.
Genomic context (GRCh38, chr11:66,347,457, plus strand): 5'-GGAAAGAACTCAAAATATTGGTCTTGCTCCTCCTGCCCGTGCAGTCCGGACAGCAGCGAC[A>G]GGTAGAGCAGCTGCAGCATCGCCACCAGCATGAGCGCGGCCAGCAGCAGCTGGTAGAAGG-3'
Protein context (NP_006867.1, residues 20-40): MLVAMLQLLY[Leu30Pro]SLLSGLHGQE